The following is an entry in ClinVar:

ClinVar aggregate classification (germline): Uncertain significance (1 of 4 stars; one submission).

Conditions:
Hyperphosphatasia with impaired intellectual development syndrome 2. Also called: Hyperphosphatasia with intellectual disability syndrome 2; GLYCOSYLPHOSPHATIDYLINOSITOL BIOSYNTHESIS DEFECT 6. Identifiers: Orphanet 247262, MedGen C3553637, MONDO:0013882, OMIM 614749.

Submission:

Labcorp Genetics (formerly Invitae), Labcorp
Classification: Uncertain significance for Hyperphosphatasia with impaired intellectual development syndrome 2. Last evaluated: 2023-10-03. Review status: criteria provided, single submitter. Criteria: Invitae Variant Classification Sherloc (09022015). Collection method: clinical testing. Allele origin: germline.
Comment: This sequence change replaces proline, which is neutral and non-polar, with arginine, which is basic and polar, at codon 475 of the PIGO protein (p.Pro475Arg). This variant is not present in population databases (gnomAD no frequency). This variant has not been reported in the literature in individuals affected with PIGO-related conditions. ClinVar contains an entry for this variant (Variation ID: 1025557). An algorithm developed to predict the effect of missense changes on protein structure and function (PolyPhen-2) suggests that this variant is likely to be tolerated. In summary, the available evidence is currently insufficient to determine the role of this variant in disease. Therefore, it has been classified as a Variant of Uncertain Significance.

NM_032634.4(PIGO):c.1424C>G (p.Pro475Arg)

Gene: PIGO (phosphatidylinositol glycan anchor biosynthesis class O; minus strand). Cytogenetic location: 9p13.3.
Variant type: single nucleotide variant.
Coding change: c.1424C>G on transcript NM_032634.4 (MANE Select); coding-DNA position 1424, C replaced by G.
Protein change: p.Pro475Arg; replaces proline 475 with arginine.
Molecular consequence: missense variant. On other transcripts: intron variant (2).
Genome position (GRCh38, 1-based): chr9:35,092,463, G>C on the plus strand (C>G on the coding strand, the complement: PIGO is on the minus strand). VCF-style: chr9-35092463-G-C. GRCh37 (hg19) VCF-style: chr9-35092460-G-C.
Other names: c.1344+80C>G (NM_152850.4, NM_001201484.2); short protein forms P475R.
Identifiers: ClinVar variation 1025557 (VCV001025557.8), dbSNP rs370166497, ClinGen allele CA373322144.
Genomic context (GRCh38, chr9:35,092,463, plus strand): 5'-ATGGCCCCAACCAGGCCCCAGGCCACAGGTGTCAGGAGTAGAGGGCAGAATGGAAAGCCT[G>C]GGGATATTGCCCACTGAGATGCCAGCAGGCAGATAAAGCAGGAAGCAGCCAAGAGAGCAG-3'
Protein context (NP_116023.2, residues 465-485): CLLASQWAIS[Pro475Arg]GFPFCPLLLT